The following is an entry in ClinVar:

ClinVar aggregate classification (germline): Uncertain significance (1 of 4 stars; one submission).

Conditions:
Catecholaminergic polymorphic ventricular tachycardia 1. Also called: RYR2-Related Catecholaminergic Polymorphic Ventricular Tachycardia; VENTRICULAR TACHYCARDIA, CATECHOLAMINERGIC POLYMORPHIC, 1, WITH OR WITHOUT ATRIAL DYSFUNCTION AND/OR DILATED CARDIOMYOPATHY; VENTRICULAR TACHYCARDIA, STRESS-INDUCED POLYMORPHIC 1. Identifiers: Orphanet 3286, MedGen C1631597, MONDO:0011484, OMIM 604772.

Allele frequency attached by ClinVar (database versions not stated): gnomAD 0.00001; TOPMed 0.00006.
gnomAD v4.1: 12 of 1,613,874 alleles (0.00074%); highest among the groups gnomAD compares: East Asian, 0.025%; no homozygotes.

Submission:

Labcorp Genetics (formerly Invitae), Labcorp
Classification: Uncertain significance for Catecholaminergic polymorphic ventricular tachycardia 1. Last evaluated: 2024-02-01. Review status: criteria provided, single submitter. Criteria: Invitae Variant Classification Sherloc (09022015). Collection method: clinical testing. Allele origin: germline.
Comment: This sequence change replaces serine, which is neutral and polar, with isoleucine, which is neutral and non-polar, at codon 45 of the TRDN protein (p.Ser45Ile). This variant is present in population databases (rs748395950, gnomAD 0.07%). This variant has not been reported in the literature in individuals affected with TRDN-related conditions. ClinVar contains an entry for this variant (Variation ID: 355227). Advanced modeling of protein sequence and biophysical properties (such as structural, functional, and spatial information, amino acid conservation, physicochemical variation, residue mobility, and thermodynamic stability) performed at Invitae indicates that this missense variant is expected to disrupt TRDN protein function with a positive predictive value of 80%. In summary, the available evidence is currently insufficient to determine the role of this variant in disease. Therefore, it has been classified as a Variant of Uncertain Significance.

NM_006073.4(TRDN):c.134G>T (p.Ser45Ile)

Gene: TRDN (triadin; minus strand). Cytogenetic location: 6q22.31.
Variant type: single nucleotide variant.
Coding change: c.134G>T on transcript NM_006073.4 (MANE Select); coding-DNA position 134, G replaced by T.
Protein change: p.Ser45Ile; replaces serine 45 with isoleucine.
Molecular consequence: missense variant.
Genome position (GRCh38, 1-based): chr6:123,571,021, C>A on the plus strand (G>T on the coding strand, the complement: TRDN is on the minus strand). VCF-style: chr6-123571021-C-A. GRCh37 (hg19) VCF-style: chr6-123892166-C-A.
Other names: c.134G>T, p.Ser45Ile (NM_001251987.2, NM_001256020.2, NM_001256021.2 and 1 more transcripts); short protein forms S45I.
Identifiers: ClinVar variation 355227 (VCV000355227.9), dbSNP rs748395950, ClinGen allele CA3984460.
Genomic context (GRCh38, chr6:123,571,021, plus strand): 5'-ATGGCAACAGCTGACCACGTGATTATCAGGGCAATGACCAGAAGCCAGGCTGCAGGGGAG[C>A]TGAACGTCGTCACTATGTCTTCTGTGACTGTCCTCTTCAGCACTTTTCCGGGGGATTTGG-3'
Protein context (NP_006064.2, residues 35-55): TVTEDIVTTF[Ser45Ile]SPAAWLLVIA